The following is an entry in ClinVar:

ClinVar aggregate classification (germline): Uncertain significance (1 of 4 stars; one submission).

Allele frequency attached by ClinVar (database versions not stated): gnomAD exomes below 0.00001; gnomAD 0.00001.
gnomAD v4.1: 3 of 1,584,138 alleles (0.00019%); highest among the groups gnomAD compares: East Asian, 0.0023%; no homozygotes.

Submission:

Ambry Genetics
Classification: Uncertain significance. Last evaluated: 2022-12-17. Review status: criteria provided, single submitter. Criteria: Ambry Variant Classification Scheme 2023. Collection method: clinical testing. Allele origin: germline.
Comment: The p.N740D variant (also known as c.2218A>G), located in coding exon 19 of the BUB1 gene, results from an A to G substitution at nucleotide position 2218. The asparagine at codon 740 is replaced by aspartic acid, an amino acid with highly similar properties. This amino acid position is conserved. In addition, this alteration is predicted to be tolerated by in silico analysis. Since supporting evidence is limited at this time, the clinical significance of this alteration remains unclear.

NM_004336.5(BUB1):c.2218A>G (p.Asn740Asp)

Gene: BUB1 (BUB1 mitotic checkpoint serine/threonine kinase; minus strand). Cytogenetic location: 2q13.
Variant type: single nucleotide variant.
Coding change: c.2218A>G on transcript NM_004336.5 (MANE Select); coding-DNA position 2218, A replaced by G.
Protein change: p.Asn740Asp; replaces asparagine 740 with aspartic acid.
Molecular consequence: missense variant.
Genome position (GRCh38, 1-based): chr2:110,649,363, T>C on the plus strand (A>G on the coding strand, the complement: BUB1 is on the minus strand). VCF-style: chr2-110649363-T-C. GRCh37 (hg19) VCF-style: chr2-111406940-T-C.
Other names: c.2158A>G, p.Asn720Asp (NM_001278616.2); c.2218A>G, p.Asn740Asp (NM_001278617.2); short protein forms N720D, N740D.
Identifiers: ClinVar variation 2451242 (VCV002451242.2), dbSNP rs553007593, ClinGen allele CA53525955.